The following is an entry in ClinVar:

NM_001375883.1(GPR161):c.257C>T (p.Thr86Met)

Gene: GPR161 (G protein-coupled receptor 161; minus strand). Cytogenetic location: 1q24.2.
Variant type: single nucleotide variant.
Coding change: c.257C>T on transcript NM_001375883.1 (MANE Select); coding-DNA position 257, C replaced by T.
Protein change: p.Thr86Met; replaces threonine 86 with methionine.
Molecular consequence: missense variant. On other transcripts: intron variant (4).
Genome position (GRCh38, 1-based): chr1:168,104,594, G>A on the plus strand (C>T on the coding strand, the complement: GPR161 is on the minus strand). VCF-style: chr1-168104594-G-A. GRCh37 (hg19) VCF-style: chr1-168073832-G-A.
Other names: c.257C>T (NM_153832.2); c.317C>T, p.Thr106Met (NM_001267609.1); c.257C>T, p.Thr86Met (NM_001267610.2, NM_001349632.1, NM_001349633.1 and 5 more transcripts); c.308C>T, p.Thr103Met (NM_001267611.1); c.-22-7362C>T (NM_001349635.1, NM_001267612.2); c.33-7362C>T (NM_001267614.1); c.141-7362C>T (NM_001267613.1); short protein forms T106M, T86M, T103M.
Identifiers: ClinVar variation 2228215 (VCV002228215.4), dbSNP rs202017180, ClinGen allele CA1229751.
Genomic context (GRCh38, chr1:168,104,594, plus strand): 5'-AGGAGGGCAGAGAAGTTGCACCACACTACACCAAAGATCCATTCCCTGCGGATGGAGCTC[G>A]TCACCACAAAAGGCAGCACCAACACGGACAGCAGGAAGTTGGACAGAGTCAGGCTGAAGA-3'
Protein context (NP_001362812.1, residues 76-96): LSVLVLPFVV[Thr86Met]SSIRREWIFG

ClinVar aggregate classification (germline): Uncertain significance. Review status: criteria provided, multiple submitters, no conflicts (2 of 4 stars). 3 submissions from 3 submitters: Uncertain significance (3). Last evaluated 2025-12-27.

Conditions:
Medulloblastoma (MDB). Also called: Medulloblastoma, somatic; MEDULLOBLASTOMA PREDISPOSITION SYNDROME. Identifiers: Orphanet 616, MedGen C0025149, MeSH D008527, MONDO:0007959, OMIM 155255, HP:0002885.

Allele frequency attached by ClinVar (database versions not stated): gnomAD 0.00002; TOPMed 0.00002; ExAC 0.00005; 1000 Genomes Project 0.00020; 1000 Genomes Project 30x 0.00047.
gnomAD v4.1: 16 of 1,613,800 alleles (0.00099%); highest among the groups gnomAD compares: Admixed American, 0.0033%; no homozygotes.

Submissions (3):

Labcorp Genetics (formerly Invitae), Labcorp
Classification: Uncertain significance. Last evaluated: 2025-12-27. Review status: criteria provided, single submitter. Criteria: Invitae Variant Classification Sherloc (09022015). Collection method: clinical testing. Allele origin: germline.
Comment: This sequence change replaces threonine, which is neutral and polar, with methionine, which is neutral and non-polar, at codon 106 of the GPR161 protein (p.Thr106Met). This variant is present in population databases (rs202017180, gnomAD 0.006%). This variant has not been reported in the literature in individuals affected with GPR161-related conditions. ClinVar contains an entry for this variant (Variation ID: 2228215). An algorithm developed to predict the effect of missense changes on protein structure and function (PolyPhen-2) suggests that this variant is likely to be disruptive. In summary, the available evidence is currently insufficient to determine the role of this variant in disease. Therefore, it has been classified as a Variant of Uncertain Significance.

St. Jude Molecular Pathology, St. Jude Children's Research Hospital
Classification: Uncertain significance for Medulloblastoma. Last evaluated: 2024-09-05. Review status: criteria provided, single submitter. Criteria: St. Jude Assertion Criteria 2020. Collection method: clinical testing. Allele origin: germline.
Comment: The GPR161 c.257C>T (p.Thr86Met) missense change has a maximum subpopulation frequency of 0.0058% in gnomAD v2.1.1. The in silico tool REVEL is inconclusive about a pathogenic or benign effect of this variant on protein function, and functional studies have not been performed. This variant has not been reported in individuals with medulloblastoma. In summary, the evidence currently available is insufficient to determine the clinical significance of this variant. It has therefore been classified as of uncertain significance.

Ambry Genetics
Classification: Uncertain significance. Last evaluated: 2021-07-16. Review status: criteria provided, single submitter. Criteria: Ambry Variant Classification Scheme 2023. Collection method: clinical testing. Allele origin: germline.